The following is an entry in ClinVar:

NM_019066.5(MAGEL2):c.1599_1616del (p.Gln537_Val542del)

Gene: MAGEL2 (MAGE family member L2; minus strand). Cytogenetic location: 15q11.2.
Variant type: Deletion.
Coding change: c.1599_1616del on transcript NM_019066.5 (MANE Select); coding-DNA positions 1599 to 1616, 18 bases deleted (CCCGCAGGTGCAGGCGGC).
Protein change: p.Gln537_Val542del.
Molecular consequence: inframe deletion.
Genome position (GRCh38, 1-based): chr15:23,646,127-23,646,144, GCCGCCTGCACCTGCGGG deleted on the plus strand (CCCGCAGGTGCAGGCGGC on the coding strand, the reverse complement: MAGEL2 is on the minus strand); deleting any 18 consecutive bases within chr15:23,646,127-23,646,148 gives the same sequence; the c. name uses the placement nearest the transcript's 3' end. VCF-style (leftmost placement, unchanged base first): chr15-23646126-CGCCGCCTGCACCTGCGGG-C. GRCh37 (hg19) VCF-style: chr15-23891273-CGCCGCCTGCACCTGCGGG-C.
Identifiers: ClinVar variation 2053379 (VCV002053379.4), dbSNP rs1890396948, ClinGen allele CA967690603.

ClinVar aggregate classification (germline): Uncertain significance (1 of 4 stars; one submission).

Submission:

Labcorp Genetics (formerly Invitae), Labcorp
Classification: Uncertain significance. Last evaluated: 2022-07-25. Review status: criteria provided, single submitter. Criteria: Invitae Variant Classification Sherloc (09022015). Collection method: clinical testing. Allele origin: germline.
Comment: In summary, the available evidence is currently insufficient to determine the role of this variant in disease. Therefore, it has been classified as a Variant of Uncertain Significance. Experimental studies and prediction algorithms are not available or were not evaluated, and the functional significance of this variant is currently unknown. This variant has not been reported in the literature in individuals affected with MAGEL2-related conditions. The frequency data for this variant in the population databases is considered unreliable, as metrics indicate insufficient coverage at this position in the gnomAD database. This variant, c.1599_1616del, results in the deletion of 6 amino acid(s) of the MAGEL2 protein (p.Gln537_Val542del), but otherwise preserves the integrity of the reading frame.